The following is an entry in ClinVar:

ClinVar aggregate classification (germline): Benign. Review status: criteria provided, multiple submitters, no conflicts (2 of 4 stars). 2 submissions from 2 submitters: Benign (2). Last evaluated 2026-01-24.

Conditions:
Congenital stationary night blindness 1E. Also called: Night blindness, congenital stationary (complete), 1E, autosomal recessive. Identifiers: Orphanet 215, MedGen C3281215, MONDO:0013807, OMIM 614565.

Allele frequency attached by ClinVar (database versions not stated): gnomAD exomes 0.00207; ExAC 0.00263; gnomAD 0.00847 and 0.00905; 1000 Genomes Project 30x 0.00921; 1000 Genomes Project 0.00958; TOPMed 0.00963; ESP Exome Variant Server 0.01012.
gnomAD v4.1: 2,503 of 1,611,948 alleles (0.16%); highest among the groups gnomAD compares: African/African-American, 3%; 41 homozygotes.

Submissions (2):

Labcorp Genetics (formerly Invitae), Labcorp
Classification: Benign. Last evaluated: 2026-01-24. Review status: criteria provided, single submitter. Criteria: Invitae Variant Classification Sherloc (09022015). Collection method: clinical testing. Allele origin: germline.

Illumina Laboratory Services, Illumina
Classification: Benign for Congenital stationary night blindness 1E. Last evaluated: 2018-01-13. Review status: criteria provided, single submitter. Criteria: ICSL Variant Classification Criteria 13 December 2019. Collection method: clinical testing. Allele origin: germline.
Comment: This variant was observed in the ICSL laboratory as part of a predisposition screen in an ostensibly healthy population. It had not been previously curated by ICSL or reported in the Human Gene Mutation Database (HGMD: prior to June 1st, 2018), and was therefore a candidate for classification through an automated scoring system. Utilizing variant allele frequency, disease prevalence and penetrance estimates, and inheritance mode, an automated score was calculated to assess if this variant is too frequent to cause the disease. Based on the score and internal cut-off values, a variant classified as benign is not then subjected to further curation. The score for this variant resulted in a classification of benign for this disease.

NM_001004334.4(GPR179):c.880C>T (p.Leu294=)

Gene: GPR179 (G protein-coupled receptor 179; minus strand). Cytogenetic location: 17q12.
Variant type: single nucleotide variant.
Coding change: c.880C>T on transcript NM_001004334.4 (MANE Select); coding-DNA position 880, C replaced by T.
Protein change: p.Leu294=; no amino-acid change (leucine 294 retained).
Molecular consequence: synonymous variant.
Genome position (GRCh38, 1-based): chr17:38,339,440, G>A on the plus strand (C>T on the coding strand, the complement: GPR179 is on the minus strand). VCF-style: chr17-38339440-G-A. GRCh37 (hg19) VCF-style: chr17-36495323-G-A.
Identifiers: ClinVar variation 323029 (VCV000323029.13), dbSNP rs141320532, ClinGen allele CA10650045.